The following is an entry in ClinVar:

ClinVar aggregate classification (germline): Uncertain significance (1 of 4 stars; one submission).

Conditions:
Dilated cardiomyopathy 1G (CMD1G). Identifiers: Orphanet 154, MedGen C1858763, MONDO:0011400, OMIM 604145.
Autosomal recessive limb-girdle muscular dystrophy type 2J (LGMDR10). Also called: Limb-girdle muscular dystrophy, type 2J; MUSCULAR DYSTROPHY, LIMB-GIRDLE, AUTOSOMAL RECESSIVE 10. Identifiers: Orphanet 140922, MedGen C1837342, MONDO:0012127, OMIM 608807.

Allele frequency attached by ClinVar (database versions not stated): TOPMed below 0.00001.

Submission:

Labcorp Genetics (formerly Invitae), Labcorp
Classification: Uncertain significance for Dilated cardiomyopathy 1G; Autosomal recessive limb-girdle muscular dystrophy type 2J. Last evaluated: 2022-11-17. Review status: criteria provided, single submitter. Criteria: Invitae Variant Classification Sherloc (09022015). Collection method: clinical testing. Allele origin: germline.
Comment: In summary, the available evidence is currently insufficient to determine the role of this variant in disease. Therefore, it has been classified as a Variant of Uncertain Significance. This variant is located in the M band of TTN (PMID: 25589632). Variants in this region may be relevant for neuromuscular disorders, but have not been definitively shown to cause cardiomyopathy (PMID: 23975875). This sequence change replaces valine, which is neutral and non-polar, with isoleucine, which is neutral and non-polar, at codon 35277 of the TTN protein (p.Val35277Ile). This variant is not present in population databases (gnomAD no frequency). This variant has not been reported in the literature in individuals affected with TTN-related conditions. Experimental studies and prediction algorithms are not available or were not evaluated, and the functional significance of this variant is currently unknown.

Literature cited by the submitters: PubMed 25589632; PubMed 23975875.

NM_001267550.2(TTN):c.105829G>A (p.Val35277Ile)

Genes: TTN-AS1 (TTN antisense RNA 1; plus strand), TTN (titin; minus strand), LOC129935183 (ATAC-STARR-seq lymphoblastoid active region 16808; plus strand). Cytogenetic location: 2q31.2.
Variant type: single nucleotide variant.
Coding change: c.105829G>A on transcript NM_001267550.2 (MANE Select); coding-DNA position 105829, G replaced by A.
Protein change: p.Val35277Ile; replaces valine 35277 with isoleucine.
Molecular consequence: missense variant.
Genome position (GRCh38, 1-based): chr2:178,530,786, C>T on the plus strand (G>A on the coding strand, the complement: TTN is on the minus strand). VCF-style: chr2-178530786-C-T. GRCh37 (hg19) VCF-style: chr2-179395513-C-T.
Other names: c.100906G>A, p.Val33636Ile (NM_001256850.1); c.78634G>A, p.Val26212Ile (NM_003319.4); c.98125G>A, p.Val32709Ile (NM_133378.4); c.79009G>A, p.Val26337Ile (NM_133432.3); c.79210G>A, p.Val26404Ile (NM_133437.4); short protein forms V26337I, V32709I, V26212I, V26404I, V33636I, V35277I.
Identifiers: ClinVar variation 1980482 (VCV001980482.4), dbSNP rs1688774492, ClinGen allele CA349407656.
Genomic context (GRCh38, chr2:178,530,786, plus strand): 5'-AAGCTTCTGCTTTCAGGAACTGAGTAATCTTTGGTGGGGCAGAGACTGGGAGGTGCTGAA[C>T]TTTCTCTGTTGGTGTTGGTTTTGTCTCTGTGGGTGATACGGCTTTCGGGTGAGAAGGTTC-3'
Protein context (NP_001254479.2, residues 35267-35287): TETKPTPTEK[Val35277Ile]QHLPVSAPPK